The following is an entry in ClinVar:

ClinVar aggregate classification (germline): Uncertain significance. Review status: criteria provided, single submitter (1 of 4 stars). 2 submissions from 2 submitters: Uncertain significance (1). 1 of the submissions does not count toward it. Last evaluated 2025-08-24.

Conditions:
Thyroid dyshormonogenesis 6 (TDH6). Also called: HYPOTHYROIDISM, CONGENITAL, DUE TO DYSHORMONOGENESIS, 6; Genetic transient congenital hypothyroidism; THYROID HORMONOGENESIS, GENETIC DEFECT IN, 6. Identifiers: Orphanet 226316, Orphanet 95716, MedGen C1846632, MONDO:0011792, OMIM 607200.

Allele frequency attached by ClinVar (database versions not stated): TOPMed below 0.00001; ExAC 0.00001; gnomAD exomes 0.00001.
gnomAD v4.1: 15 of 1,614,204 alleles (0.00093%); highest among the groups gnomAD compares: Admixed American, 0.0033%; no homozygotes.

Submissions (2):

Labcorp Genetics (formerly Invitae), Labcorp
Classification: Uncertain significance. Last evaluated: 2025-08-24. Review status: criteria provided, single submitter. Criteria: Invitae Variant Classification Sherloc (09022015). Collection method: clinical testing. Allele origin: germline.
Comment: This sequence change replaces arginine, which is basic and polar, with tryptophan, which is neutral and slightly polar, at codon 1039 of the DUOX2 protein (p.Arg1039Trp). This variant is present in population databases (rs752176935, gnomAD 0.006%). This missense change has been observed in individual(s) with clinical features of thyroid dyshormonogenesis (PMID: 33310921). ClinVar contains an entry for this variant (Variation ID: 915459). Invitae Evidence Modeling of protein sequence and biophysical properties (such as structural, functional, and spatial information, amino acid conservation, physicochemical variation, residue mobility, and thermodynamic stability) indicates that this missense variant is expected to disrupt DUOX2 protein function with a positive predictive value of 80%. In summary, the available evidence is currently insufficient to determine the role of this variant in disease. Therefore, it has been classified as a Variant of Uncertain Significance.

Department of Pediatrics, Division of Medical Genetics, Faculty of Medicine Ramathibodi Hospital, Mahidol University
Classification: Likely pathogenic for Thyroid dyshormonogenesis 6. Last evaluated: 2020-05-07. Review status: no assertion criteria provided. Collection method: research. Allele origin: maternal. Inheritance: Autosomal recessive inheritance. Affected: yes. Observed: 1 compound heterozygote. Not counted in ClinVar's aggregate classification.

Literature cited by the submitters: PubMed 33310921 (cited by Labcorp Genetics (formerly Invitae), Labcorp).

NM_001363711.2(DUOX2):c.3115C>T (p.Arg1039Trp)

Gene: DUOX2 (dual oxidase 2; minus strand). Cytogenetic location: 15q21.1.
Variant type: single nucleotide variant.
Coding change: c.3115C>T on transcript NM_001363711.2 (MANE Select); coding-DNA position 3115, C replaced by T.
Protein change: p.Arg1039Trp; replaces arginine 1039 with tryptophan.
Molecular consequence: missense variant.
Genome position (GRCh38, 1-based): chr15:45,100,119, G>A on the plus strand (C>T on the coding strand, the complement: DUOX2 is on the minus strand). VCF-style: chr15-45100119-G-A. GRCh37 (hg19) VCF-style: chr15-45392317-G-A.
Other names: c.3115C>T, p.Arg1039Trp (NM_014080.5); short protein forms R1039W.
Identifiers: ClinVar variation 915459 (VCV000915459.3), dbSNP rs752176935, ClinGen allele CA7538008.